The following is an entry in ClinVar:

NM_000321.3(RB1):c.1828G>T (p.Val610Leu)

Gene: RB1 (RB transcriptional corepressor 1; plus strand). Cytogenetic location: 13q14.2.
Variant type: single nucleotide variant.
Coding change: c.1828G>T on transcript NM_000321.3 (MANE Select); coding-DNA position 1828, G replaced by T.
Protein change: p.Val610Leu; replaces valine 610 with leucine.
Molecular consequence: missense variant.
Genome position (GRCh38, 1-based): chr13:48,456,217, G>T. VCF-style: chr13-48456217-G-T. GRCh37 (hg19) VCF-style: chr13-49030353-G-T.
Other names: short protein forms V610L.
Identifiers: ClinVar variation 1046695 (VCV001046695.8), dbSNP rs762613976, ClinGen allele CA388165713.

ClinVar aggregate classification (germline): Uncertain significance (1 of 4 stars; one submission).

Conditions:
Retinoblastoma (RB1). Also called: RETINOBLASTOMA, SOMATIC. Identifiers: Orphanet 790, MedGen C0035335, MeSH D012175, MONDO:0008380, OMIM 180200, HP:0009919. Disease mechanism: loss of function. Inheritance: Both sporadic and heritable forms are tested..

Submission:

Labcorp Genetics (formerly Invitae), Labcorp
Classification: Uncertain significance for Retinoblastoma. Last evaluated: 2020-05-21. Review status: criteria provided, single submitter. Criteria: Invitae Variant Classification Sherloc (09022015). Collection method: clinical testing. Allele origin: germline.
Comment: This sequence change replaces valine with leucine at codon 610 of the RB1 protein (p.Val610Leu). The valine residue is moderately conserved and there is a small physicochemical difference between valine and leucine. This variant is not present in population databases (ExAC no frequency). This variant has not been reported in the literature in individuals with RB1-related conditions. Algorithms developed to predict the effect of missense changes on protein structure and function output the following: SIFT: "Tolerated"; PolyPhen-2: "Benign"; Align-GVGD: "Class C0". The leucine amino acid residue is found in multiple mammalian species, suggesting that this missense change does not adversely affect protein function. These predictions have not been confirmed by published functional studies and their clinical significance is uncertain. In summary, the available evidence is currently insufficient to determine the role of this variant in disease. Therefore, it has been classified as a Variant of Uncertain Significance.